The following is an entry in ClinVar:

NM_024120.5(NDUFAF5):c.328-9C>A

Gene: NDUFAF5 (NADH:ubiquinone oxidoreductase complex assembly factor 5; plus strand). Cytogenetic location: 20p12.1.
Variant type: single nucleotide variant.
Coding change: c.328-9C>A on transcript NM_024120.5 (MANE Select); 9 bases into the intron before coding-DNA position 328, C replaced by A.
Molecular consequence: intron variant. On other transcripts: missense variant (1), 5 prime UTR variant (1), non-coding transcript variant (2).
Genome position (GRCh38, 1-based): chr20:13,793,171, C>A. VCF-style: chr20-13793171-C-A. GRCh37 (hg19) VCF-style: chr20-13773817-C-A.
Other names: c.339C>A, p.Phe113Leu (NM_001039375.3); c.-243C>A (NM_001352406.2); c.-234-9C>A (NM_001352407.2); c.-40-9C>A (NM_001352403.2); c.328-9C>A (NM_001352408.2); short protein forms F113L.
Identifiers: ClinVar variation 4076589 (VCV004076589.1).

ClinVar aggregate classification (germline): Uncertain significance (1 of 4 stars; one submission).

gnomAD v4.1: 2 of 1,613,758 alleles (0.00012%); highest among the groups gnomAD compares: Non-Finnish European, 0.00017%; no homozygotes.

Submission:

GeneDx
Classification: Uncertain significance. Last evaluated: 2025-02-25. Review status: criteria provided, single submitter. Criteria: GeneDx Variant Classification Process June 2021. Collection method: clinical testing. Allele origin: germline. Affected: yes.
Comment: Not observed at significant frequency in large population cohorts (gnomAD); Has not been previously published as pathogenic or benign to our knowledge; In silico analysis is inconclusive as to whether the variant alters gene splicing. In the absence of RNA/functional studies, the actual effect of this sequence change is unknown.